The following is an entry in ClinVar:

NM_001039141.3(TRIOBP):c.3293G>A (p.Cys1098Tyr)

Gene: TRIOBP (TRIO and F-actin binding protein; plus strand). Cytogenetic location: 22q13.1.
Variant type: single nucleotide variant.
Coding change: c.3293G>A on transcript NM_001039141.3 (MANE Select); coding-DNA position 3293, G replaced by A.
Protein change: p.Cys1098Tyr; replaces cysteine 1098 with tyrosine.
Molecular consequence: missense variant.
Genome position (GRCh38, 1-based): chr22:37,725,849, G>A. VCF-style: chr22-37725849-G-A. GRCh37 (hg19) VCF-style: chr22-38121856-G-A.
Other names: short protein forms C1098Y.
Identifiers: ClinVar variation 2044301 (VCV002044301.4), dbSNP rs976697524, ClinGen allele CA324135995.

ClinVar aggregate classification (germline): Uncertain significance (1 of 4 stars; one submission).

Allele frequency attached by ClinVar (database versions not stated): TOPMed below 0.00001.

Submission:

Labcorp Genetics (formerly Invitae), Labcorp
Classification: Uncertain significance. Last evaluated: 2024-10-21. Review status: criteria provided, single submitter. Criteria: Invitae Variant Classification Sherloc (09022015). Collection method: clinical testing. Allele origin: germline.
Comment: This sequence change replaces cysteine, which is neutral and slightly polar, with tyrosine, which is neutral and polar, at codon 1098 of the TRIOBP protein (p.Cys1098Tyr). This variant is not present in population databases (gnomAD no frequency). This variant has not been reported in the literature in individuals affected with TRIOBP-related conditions. ClinVar contains an entry for this variant (Variation ID: 2044301). An algorithm developed to predict the effect of missense changes on protein structure and function (PolyPhen-2) suggests that this variant is likely to be tolerated. In summary, the available evidence is currently insufficient to determine the role of this variant in disease. Therefore, it has been classified as a Variant of Uncertain Significance.